The following is an entry in ClinVar:

ClinVar aggregate classification (germline): Conflicting classifications of pathogenicity. Review status: criteria provided, conflicting classifications (1 of 4 stars). 2 submissions from 2 submitters: Uncertain significance (1); Likely benign (1). Last evaluated 2025-02-10.

Conditions:
Hyperkalemic periodic paralysis. Also called: Familial hyperkalemic periodic paralysis; Gamstorp disease. Identifiers: Orphanet 682, MedGen C0238357, MONDO:0008224, OMIM 170500, HP:0007215.

Allele frequency attached by ClinVar (database versions not stated): TOPMed below 0.00001.

Submissions (2):

Women's Health and Genetics/Laboratory Corporation of America, LabCorp
Classification: Likely benign. Last evaluated: 2025-02-10. Review status: criteria provided, single submitter. Criteria: LabCorp Variant Classification Summary - May 2015. Collection method: clinical testing. Allele origin: germline.

Labcorp Genetics (formerly Invitae), Labcorp
Classification: Uncertain significance for Hyperkalemic periodic paralysis. Last evaluated: 2023-12-27. Review status: criteria provided, single submitter. Criteria: Invitae Variant Classification Sherloc (09022015). Collection method: clinical testing. Allele origin: germline.
Comment: This sequence change falls in intron 21 of the SCN4A gene. It does not directly change the encoded amino acid sequence of the SCN4A protein. This variant is not present in population databases (gnomAD no frequency). This variant has not been reported in the literature in individuals affected with SCN4A-related conditions. Algorithms developed to predict the effect of sequence changes on RNA splicing suggest that this variant may create or strengthen a splice site. In summary, the available evidence is currently insufficient to determine the role of this variant in disease. Therefore, it has been classified as a Variant of Uncertain Significance.

NM_000334.4(SCN4A):c.3912+10A>C

Genes: GH-LCR (growth hormone locus control region; plus strand), SCN4A (sodium voltage-gated channel alpha subunit 4; minus strand). Cytogenetic location: 17q23.3.
Variant type: single nucleotide variant.
Coding change: c.3912+10A>C on transcript NM_000334.4 (MANE Select); 10 bases into the intron after coding-DNA position 3912, A replaced by C.
Molecular consequence: intron variant.
Genome position (GRCh38, 1-based): chr17:63,944,663, T>G on the plus strand (A>C on the coding strand, the complement: SCN4A is on the minus strand). VCF-style: chr17-63944663-T-G. GRCh37 (hg19) VCF-style: chr17-62022023-T-G.
Identifiers: ClinVar variation 2970489 (VCV002970489.4), dbSNP rs1482444015, ClinGen allele CA774008674.